The following is an entry in ClinVar:

NM_001165963.4(SCN1A):c.1239C>A (p.Tyr413Ter)

Gene: SCN1A (sodium voltage-gated channel alpha subunit 1; minus strand). Cytogenetic location: 2q24.3.
Variant type: single nucleotide variant.
Coding change: c.1239C>A on transcript NM_001165963.4 (MANE Select); coding-DNA position 1239, C replaced by A.
Protein change: p.Tyr413Ter; replaces tyrosine 413 with a stop codon.
Molecular consequence: nonsense. On other transcripts: 5 prime UTR variant (1), non-coding transcript variant (1).
Genome position (GRCh38, 1-based): chr2:166,046,908, G>T on the plus strand (C>A on the coding strand, the complement: SCN1A is on the minus strand). VCF-style: chr2-166046908-G-T. GRCh37 (hg19) VCF-style: chr2-166903418-G-T.
Other names: c.1239C>A, p.Tyr413Ter (NM_001165964.3, NM_001202435.3, NM_001353948.2 and 10 more transcripts); c.-1187C>A (NM_001353961.2); short protein forms Y413*.
Identifiers: ClinVar variation 2444394 (VCV002444394.1), dbSNP rs2468181767, ClinGen allele CA349070909.

ClinVar aggregate classification (germline): Likely pathogenic (1 of 4 stars; one submission).

Conditions:
Generalized epilepsy with febrile seizures plus, type 2 (GEFSP2). Also called: GEFS+, TYPE 2. Identifiers: Orphanet 36387, MedGen C1858673, MONDO:0011461, OMIM 604403.

Submission:

3billion
Classification: Likely pathogenic for Generalized epilepsy with febrile seizures plus, type 2. Last evaluated: 2023-02-23. Review status: criteria provided, single submitter. Criteria: ACMG Guidelines, 2015. Collection method: clinical testing. Allele origin: unknown. Affected: yes.
Comment: The variant is not observed in the gnomAD v2.1.1 dataset. This variant was predicted to result in a loss or disruption of normal protein function through nonsense-mediated decay (NMD) or protein truncation. Multiple pathogenic variants are reported downstream of the variant. Therefore, this variant is classified as Likely pathogenic according to the recommendation of ACMG/AMP guideline.